The following is an entry in ClinVar:

NM_005045.4(RELN):c.4275A>G (p.Gly1425=)

Gene: RELN (reelin; minus strand). Cytogenetic location: 7q22.1.
Variant type: single nucleotide variant.
Coding change: c.4275A>G on transcript NM_005045.4 (MANE Select); coding-DNA position 4275, A replaced by G.
Protein change: p.Gly1425=; no amino-acid change (glycine 1425 retained).
Molecular consequence: synonymous variant.
Genome position (GRCh38, 1-based): chr7:103,575,576, T>C on the plus strand (A>G on the coding strand, the complement: RELN is on the minus strand). VCF-style: chr7-103575576-T-C. GRCh37 (hg19) VCF-style: chr7-103216023-T-C.
Other names: p.Gly1425=; c.4275A>G, p.Gly1425= (NM_173054.3).
Identifiers: ClinVar variation 713853 (VCV000713853.40), dbSNP rs141617635, ClinGen allele CA4421562.

ClinVar aggregate classification (germline): Conflicting classifications of pathogenicity. Review status: criteria provided, conflicting classifications (1 of 4 stars). 5 submissions from 5 submitters: Uncertain significance (1); Likely benign (4). Last evaluated 2026-08-01.

Conditions:
Norman-Roberts syndrome (LIS2). Also called: Lissencephaly 2 (Norman-Roberts type). Identifiers: Orphanet 89844, MedGen C0796089, MONDO:0009760, OMIM 257320.
Familial temporal lobe epilepsy 7. Identifiers: Orphanet 101046, MedGen C4225327, MONDO:0014639, OMIM 616436.

Allele frequency attached by ClinVar (database versions not stated): ExAC 0.00022; gnomAD exomes 0.00023 and 0.00043; gnomAD 0.00028 and 0.00031; TOPMed 0.00030; ESP Exome Variant Server 0.00077.
gnomAD v4.1: 654 of 1,613,960 alleles (0.041%); highest among the groups gnomAD compares: Non-Finnish European, 0.053%; 1 homozygote.

Submissions (5):

CeGaT Center for Human Genetics Tuebingen
Classification: Likely benign. Last evaluated: 2026-08-01. Review status: criteria provided, single submitter. Criteria: CeGaT Center For Human Genetics Tuebingen Variant Classification Criteria Version 2. Collection method: clinical testing. Allele origin: germline. Affected: yes. Observed: 6 variant alleles.
Comment: RELN: BP4, BP7

Labcorp Genetics (formerly Invitae), Labcorp
Classification: Likely benign for Familial temporal lobe epilepsy 7; Norman-Roberts syndrome. Last evaluated: 2025-09-27. Review status: criteria provided, single submitter. Criteria: Invitae Variant Classification Sherloc (09022015). Collection method: clinical testing. Allele origin: germline.

Mayo Clinic Laboratories, Mayo Clinic
Classification: Likely benign. Last evaluated: 2025-03-12. Review status: criteria provided, single submitter. Criteria: ACMG Guidelines, 2015. Collection method: clinical testing. Allele origin: germline. Observed: 1 variant allele.
Comment: BP4, BP7

Blueprint Genetics
Classification: Likely benign. Last evaluated: 2024-11-05. Review status: criteria provided, single submitter. Criteria: ACMG Guidelines, 2015. Collection method: clinical testing. Allele origin: germline.

Illumina Laboratory Services, Illumina
Classification: Uncertain significance for Norman-Roberts syndrome. Last evaluated: 2017-08-19. Review status: criteria provided, single submitter. Criteria: ICSL Variant Classification Criteria 13 December 2019. Collection method: clinical testing. Allele origin: germline.
Comment: This variant was observed as part of a predisposition screen in an ostensibly healthy population. A literature search was performed for the gene, cDNA change, and amino acid change (where applicable). Publications were found based on this search. However, the evidence from the literature, in combination with allele frequency data from public databases where available, was not sufficient to rule this variant in or out of causing disease. Therefore, this variant is classified as a variant of unknown significance.

Literature cited by the submitters: PubMed 25648840 (cited by Mayo Clinic Laboratories, Mayo Clinic and Illumina Laboratory Services, Illumina).